The following is an entry in ClinVar:

ClinVar aggregate classification (germline): Uncertain significance (1 of 4 stars; one submission).

Submission:

GeneDx
Classification: Uncertain significance. Last evaluated: 2025-03-08. Review status: criteria provided, single submitter. Criteria: GeneDx Variant Classification Process June 2021. Collection method: clinical testing. Allele origin: germline. Affected: yes.
Comment: Not observed at significant frequency in large population cohorts (gnomAD); Has not been previously published as pathogenic or benign to our knowledge; In silico analysis suggests this variant may impact gene splicing. In the absence of RNA/functional studies, the actual effect of this sequence change is unknown.

NM_016035.5(COQ4):c.627G>A (p.Gln209=)

Gene: COQ4 (coenzyme Q4; plus strand). Cytogenetic location: 9q34.11.
Variant type: single nucleotide variant.
Coding change: c.627G>A on transcript NM_016035.5 (MANE Select); coding-DNA position 627, G replaced by A.
Protein change: p.Gln209=; no amino-acid change (glutamine 209 retained).
Molecular consequence: synonymous variant. On other transcripts: 3 prime UTR variant (1).
Genome position (GRCh38, 1-based): chr9:128,333,474, G>A. VCF-style: chr9-128333474-G-A. GRCh37 (hg19) VCF-style: chr9-131095753-G-A.
Other names: c.*3G>A (NM_001305942.2).
Identifiers: ClinVar variation 4082770 (VCV004082770.1).
Genomic context (GRCh38, chr9:128,333,474, plus strand): 5'-AGCAGTCGAGTGCCTGGCCCCAGGGACTTGATGTTTTCTTTTTCCTCTGCTGCCCCACAG[G>A]AGCCTGCAAGTGCTGGTCTCGGAGTTGATCCCATGGGCCGTTCAGAACGGGCGCAGAGCC-3'
Protein context (NP_057119.3, residues 199-219): AFFGPIRLGA[Gln209=]SLQVLVSELI